The following is an entry in ClinVar:

ClinVar aggregate classification (germline): Pathogenic (1 of 4 stars; one submission).

Conditions:
FRAXE. Also called: Fragile XE syndrome; FRAXE Syndrome; FRAXE intellectual disability; Intellectual developmental disorder, X-linked 109; Intellectual disability, X-linked, FRAXE type. Identifiers: Orphanet 100973, MedGen C0751157, MONDO:0010659, OMIM 309548. Disease mechanism: loss of function.

Submission:

Myriad Genetics, Inc.
Classification: Pathogenic for FRAXE. Last evaluated: 2025-08-03. Review status: criteria provided, single submitter. Criteria: Myriad Autosomal Dominant, Autosomal Recessive and X-Linked Classification Criteria (2023). Collection method: clinical testing. Allele origin: unknown.
Comment: NM_002025.3(AFF2):c.2016delAinsGAG(A673Rfs*83) is expected to be pathogenic in the context of fragile XE syndrome. This variant is predicted to lead to an abnormal or absent protein product due to the creation of a premature termination codon in AFF2, a gene where loss-of-function variants are known to be pathogenic. Please note: this variant was assessed in the context of healthy population screening.

NM_002025.4(AFF2):c.2016delinsGAG (p.Ala673fs)

Gene: AFF2 (ALF transcription elongation factor 2; plus strand). Cytogenetic location: Xq28.
Variant type: Indel.
Coding change: c.2016delinsGAG on transcript NM_002025.4 (MANE Select); coding-DNA position 2016, A replaced by GAG.
Protein change: p.Ala673fs; shifts the reading frame from alanine 673.
Molecular consequence: frameshift variant.
Genome position (GRCh38, 1-based): chrX:148,956,061, A replaced by GAG. VCF-style: chrX-148956061-A-GAG. GRCh37 (hg19) VCF-style: chrX-148037591-A-GAG.
Other names: c.1917delinsGAG, p.Ala640fs (NM_001169122.2); c.1986delinsGAG, p.Ala663fs (NM_001169123.2); c.1911delinsGAG, p.Ala638fs (NM_001169124.2); c.1899delinsGAG, p.Ala634fs (NM_001169125.2); c.939delinsGAG, p.Ala314fs (NM_001170628.1); short protein forms A314fs, A634fs, A638fs, A640fs, A663fs, A673fs.
Identifiers: ClinVar variation 5014809 (VCV005014809.1).